The following is an entry in ClinVar:

NM_006445.4(PRPF8):c.1276C>G (p.Leu426Val)

Gene: PRPF8 (pre-mRNA processing factor 8; minus strand). Cytogenetic location: 17p13.3.
Variant type: single nucleotide variant.
Coding change: c.1276C>G on transcript NM_006445.4 (MANE Select); coding-DNA position 1276, C replaced by G.
Protein change: p.Leu426Val; replaces leucine 426 with valine.
Molecular consequence: missense variant.
Genome position (GRCh38, 1-based): chr17:1,679,622, G>C on the plus strand (C>G on the coding strand, the complement: PRPF8 is on the minus strand). VCF-style: chr17-1679622-G-C. GRCh37 (hg19) VCF-style: chr17-1582916-G-C.
Other names: short protein forms L426V.
Identifiers: ClinVar variation 4797324 (VCV004797324.2).

ClinVar aggregate classification (germline): Uncertain significance. Review status: criteria provided, multiple submitters, no conflicts (2 of 4 stars). 2 submissions from 2 submitters: Uncertain significance (2). Last evaluated 2025-03-25.

gnomAD v4.1: 3 of 1,613,540 alleles (0.00019%); highest among the groups gnomAD compares: Non-Finnish European, 0.00017%; no homozygotes.

Submissions (2):

Labcorp Genetics (formerly Invitae), Labcorp
Classification: Uncertain significance. Last evaluated: 2025-03-25. Review status: criteria provided, single submitter. Criteria: Invitae Variant Classification Sherloc (09022015). Collection method: clinical testing. Allele origin: germline.
Comment: This sequence change replaces leucine, which is neutral and non-polar, with valine, which is neutral and non-polar, at codon 426 of the PRPF8 protein (p.Leu426Val). This variant is present in population databases (no rsID available, gnomAD 0.0009%). This variant has not been reported in the literature in individuals affected with PRPF8-related conditions. Invitae Evidence Modeling of protein sequence and biophysical properties (such as structural, functional, and spatial information, amino acid conservation, physicochemical variation, residue mobility, and thermodynamic stability) indicates that this missense variant is not expected to disrupt PRPF8 protein function with a negative predictive value of 80%. In summary, the available evidence is currently insufficient to determine the role of this variant in disease. Therefore, it has been classified as a Variant of Uncertain Significance.

Blueprint Genetics
Classification: Uncertain significance. Last evaluated: 2020-09-16. Review status: criteria provided, single submitter. Criteria: ACMG Guidelines, 2015. Collection method: clinical testing. Allele origin: germline.